The following is an entry in ClinVar:

NM_001377.3(DYNC2H1):c.12008C>G (p.Ala4003Gly)

Gene: DYNC2H1 (dynein cytoplasmic 2 heavy chain 1; plus strand). Cytogenetic location: 11q22.3.
Variant type: single nucleotide variant.
Coding change: c.12008C>G on transcript NM_001377.3 (MANE Select); coding-DNA position 12008, C replaced by G.
Protein change: p.Ala4003Gly; replaces alanine 4003 with glycine.
Molecular consequence: missense variant.
Genome position (GRCh38, 1-based): chr11:103,323,959, C>G. VCF-style: chr11-103323959-C-G. GRCh37 (hg19) VCF-style: chr11-103194687-C-G.
Other names: c.12029C>G (NM_001080463.1); c.12029C>G, p.Ala4010Gly (NM_001080463.2); short protein forms A4003G, A4010G.
Identifiers: ClinVar variation 3624651 (VCV003624651.3).

ClinVar aggregate classification (germline): Uncertain significance. Review status: criteria provided, multiple submitters, no conflicts (2 of 4 stars). 2 submissions from 2 submitters: Uncertain significance (2). Last evaluated 2025-03-03.

Conditions:
Inborn genetic diseases. Identifiers: MedGen C0950123, MeSH D030342.
Jeune thoracic dystrophy. Also called: Jeune syndrome; Infantile thoracic dystrophy; Thoracic pelvic phalangeal dystrophy; Jeune's syndrome; Chondroectodermal dysplasia-like syndrome; Short-rib thoracic dysplasia. Identifiers: Orphanet 474, MedGen C0265275, MONDO:0018770.

Submissions (2):

Ambry Genetics
Classification: Uncertain significance for Inborn genetic diseases. Last evaluated: 2025-03-03. Review status: criteria provided, single submitter. Criteria: Ambry Variant Classification Scheme 2023. Collection method: clinical testing. Allele origin: germline.

Labcorp Genetics (formerly Invitae), Labcorp
Classification: Uncertain significance for Jeune thoracic dystrophy. Last evaluated: 2024-12-05. Review status: criteria provided, single submitter. Criteria: Invitae Variant Classification Sherloc (09022015). Collection method: clinical testing. Allele origin: germline.
Comment: This sequence change replaces alanine, which is neutral and non-polar, with glycine, which is neutral and non-polar, at codon 4010 of the DYNC2H1 protein (p.Ala4010Gly). This variant is not present in population databases (gnomAD no frequency). This variant has not been reported in the literature in individuals affected with DYNC2H1-related conditions. Invitae Evidence Modeling of protein sequence and biophysical properties (such as structural, functional, and spatial information, amino acid conservation, physicochemical variation, residue mobility, and thermodynamic stability) indicates that this missense variant is not expected to disrupt DYNC2H1 protein function with a negative predictive value of 95%. In summary, the available evidence is currently insufficient to determine the role of this variant in disease. Therefore, it has been classified as a Variant of Uncertain Significance.